The following is an entry in ClinVar:

ClinVar aggregate classification (germline): Uncertain significance (1 of 4 stars; one submission).

Allele frequency attached by ClinVar (database versions not stated): gnomAD exomes below 0.00001.
gnomAD v4.1: 1 of 1,538,482 alleles (0.000065%); no homozygotes.

Submission:

Labcorp Genetics (formerly Invitae), Labcorp
Classification: Uncertain significance. Last evaluated: 2024-06-03. Review status: criteria provided, single submitter. Criteria: Invitae Variant Classification Sherloc (09022015). Collection method: clinical testing. Allele origin: germline.
Comment: This sequence change replaces leucine, which is neutral and non-polar, with glutamine, which is neutral and polar, at codon 509 of the DGKE protein (p.Leu509Gln). This variant is not present in population databases (gnomAD no frequency). This variant has not been reported in the literature in individuals affected with DGKE-related conditions. ClinVar contains an entry for this variant (Variation ID: 1427988). An algorithm developed to predict the effect of missense changes on protein structure and function (PolyPhen-2) suggests that this variant is likely to be disruptive. Algorithms developed to predict the effect of sequence changes on RNA splicing suggest that this variant may create or strengthen a splice site. In summary, the available evidence is currently insufficient to determine the role of this variant in disease. Therefore, it has been classified as a Variant of Uncertain Significance.

NM_003647.3(DGKE):c.1526T>A (p.Leu509Gln)

Gene: DGKE (diacylglycerol kinase epsilon; plus strand). Cytogenetic location: 17q22.
Variant type: single nucleotide variant.
Coding change: c.1526T>A on transcript NM_003647.3 (MANE Select); coding-DNA position 1526, T replaced by A.
Protein change: p.Leu509Gln; replaces leucine 509 with glutamine.
Molecular consequence: missense variant.
Genome position (GRCh38, 1-based): chr17:56,862,613, T>A. VCF-style: chr17-56862613-T-A. GRCh37 (hg19) VCF-style: chr17-54939974-T-A.
Other names: short protein forms L509Q.
Identifiers: ClinVar variation 1427988 (VCV001427988.6), dbSNP rs2144302106, ClinGen allele CA399910418.